The following is an entry in ClinVar:

ClinVar aggregate classification (germline): Uncertain significance (1 of 4 stars; one submission).

gnomAD v4.1: 1 of 1,614,100 alleles (0.000062%); highest among the groups gnomAD compares: Non-Finnish European, 0.000085%; no homozygotes.

Submission:

GeneDx
Classification: Uncertain significance. Last evaluated: 2025-03-26. Review status: criteria provided, single submitter. Criteria: GeneDx Variant Classification Process June 2021. Collection method: clinical testing. Allele origin: germline. Affected: yes.
Comment: Not observed at significant frequency in large population cohorts (gnomAD); In silico analysis indicates that this missense variant does not alter protein structure/function; Has not been previously published as pathogenic or benign to our knowledge

NM_004281.4(BAG3):c.1024A>C (p.Ile342Leu)

Gene: BAG3 (BAG cochaperone 3; plus strand). Cytogenetic location: 10q26.11.
Variant type: single nucleotide variant.
Coding change: c.1024A>C on transcript NM_004281.4 (MANE Select); coding-DNA position 1024, A replaced by C.
Protein change: p.Ile342Leu; replaces isoleucine 342 with leucine.
Molecular consequence: missense variant.
Genome position (GRCh38, 1-based): chr10:119,676,578, A>C. VCF-style: chr10-119676578-A-C. GRCh37 (hg19) VCF-style: chr10-121436090-A-C.
Other names: short protein forms I342L.
Identifiers: ClinVar variation 4088005 (VCV004088005.1).